The following is an entry in ClinVar:

ClinVar aggregate classification (germline): Uncertain significance (1 of 4 stars; one submission).

Conditions:
Werner syndrome (WRN). Identifiers: Orphanet 902, MedGen C0043119, MONDO:0010196, OMIM 277700.

Submission:

Labcorp Genetics (formerly Invitae), Labcorp
Classification: Uncertain significance for Werner syndrome. Last evaluated: 2023-10-28. Review status: criteria provided, single submitter. Criteria: Invitae Variant Classification Sherloc (09022015). Collection method: clinical testing. Allele origin: germline.
Comment: This sequence change replaces glutamic acid, which is acidic and polar, with lysine, which is basic and polar, at codon 1067 of the WRN protein (p.Glu1067Lys). This variant is not present in population databases (gnomAD no frequency). This variant has not been reported in the literature in individuals affected with WRN-related conditions. An algorithm developed to predict the effect of missense changes on protein structure and function (PolyPhen-2) suggests that this variant is likely to be disruptive. Algorithms developed to predict the effect of sequence changes on RNA splicing suggest that this variant may disrupt the consensus splice site. In summary, the available evidence is currently insufficient to determine the role of this variant in disease. Therefore, it has been classified as a Variant of Uncertain Significance.

NM_000553.6(WRN):c.3199G>A (p.Glu1067Lys)

Gene: WRN (WRN RecQ like helicase; plus strand). Cytogenetic location: 8p12.
Variant type: single nucleotide variant.
Coding change: c.3199G>A on transcript NM_000553.6 (MANE Select); coding-DNA position 3199, G replaced by A.
Protein change: p.Glu1067Lys; replaces glutamic acid 1067 with lysine.
Molecular consequence: missense variant.
Genome position (GRCh38, 1-based): chr8:31,141,741, G>A. VCF-style: chr8-31141741-G-A. GRCh37 (hg19) VCF-style: chr8-30999257-G-A.
Other names: short protein forms E1067K.
Identifiers: ClinVar variation 2959463 (VCV002959463.3), dbSNP rs2536031219, ClinGen allele CA370923111.